The following is an entry in ClinVar:

NM_015895.5(GMNN):c.622T>C (p.Cys208Arg)

Gene: GMNN (geminin DNA replication inhibitor; plus strand). Cytogenetic location: 6p22.3.
Variant type: single nucleotide variant.
Coding change: c.622T>C on transcript NM_015895.5 (MANE Select); coding-DNA position 622, T replaced by C.
Protein change: p.Cys208Arg; replaces cysteine 208 with arginine.
Molecular consequence: missense variant.
Genome position (GRCh38, 1-based): chr6:24,785,791, T>C. VCF-style: chr6-24785791-T-C. GRCh37 (hg19) VCF-style: chr6-24786019-T-C.
Other names: c.622T>C, p.Cys208Arg (NM_001251989.2, NM_001251990.2, NM_001251991.1); short protein forms C208R.
Identifiers: ClinVar variation 1941926 (VCV001941926.5), dbSNP rs558038900, ClinGen allele CA3658968.

ClinVar aggregate classification (germline): Uncertain significance (1 of 4 stars; one submission).

Allele frequency attached by ClinVar (database versions not stated): gnomAD 0.00002; gnomAD exomes 0.00002; ExAC 0.00007; 1000 Genomes Project 30x 0.00031; 1000 Genomes Project 0.00040.
gnomAD v4.1: 34 of 1,570,464 alleles (0.0022%); highest among the groups gnomAD compares: South Asian, 0.037%; no homozygotes.

Submission:

Labcorp Genetics (formerly Invitae), Labcorp
Classification: Uncertain significance. Last evaluated: 2025-02-24. Review status: criteria provided, single submitter. Criteria: Invitae Variant Classification Sherloc (09022015). Collection method: clinical testing. Allele origin: germline.
Comment: This sequence change replaces cysteine, which is neutral and slightly polar, with arginine, which is basic and polar, at codon 208 of the GMNN protein (p.Cys208Arg). This variant is present in population databases (rs558038900, gnomAD 0.03%). This variant has not been reported in the literature in individuals affected with GMNN-related conditions. ClinVar contains an entry for this variant (Variation ID: 1941926). An algorithm developed to predict the effect of missense changes on protein structure and function (PolyPhen-2) suggests that this variant is likely to be tolerated. In summary, the available evidence is currently insufficient to determine the role of this variant in disease. Therefore, it has been classified as a Variant of Uncertain Significance.